The following is an entry in ClinVar:

NM_000458.4(HNF1B):c.741C>A (p.Tyr247Ter)

Genes: HNF1B (HNF1 homeobox B; minus strand), LOC126862549 (BRD4-independent group 4 enhancer GRCh37_chr17:36093401-36094600; plus strand). Cytogenetic location: 17q12.
Variant type: single nucleotide variant.
Coding change: c.741C>A on transcript NM_000458.4 (MANE Select); coding-DNA position 741, C replaced by A.
Protein change: p.Tyr247Ter; replaces tyrosine 247 with a stop codon.
Molecular consequence: nonsense.
Genome position (GRCh38, 1-based): chr17:37,733,625, G>T on the plus strand (C>A on the coding strand, the complement: HNF1B is on the minus strand). VCF-style: chr17-37733625-G-T. GRCh37 (hg19) VCF-style: chr17-36093618-G-T.
Other names: c.663C>A, p.Tyr221Ter (NM_001165923.4, NM_001304286.2); c.741C>A, p.Tyr247Ter (NM_001411100.1); short protein forms Y221*, Y247*.
Identifiers: ClinVar variation 4540424 (VCV004540424.1).

ClinVar aggregate classification (germline): Likely pathogenic (1 of 4 stars; one submission).

Conditions:
Renal cysts and diabetes syndrome (RCAD). Also called: MATURITY-ONSET DIABETES OF THE YOUNG, TYPE 5; Familial hypoplastic, glomerulocystic kidney. Identifiers: Orphanet 93111, MedGen C0431693, MONDO:0007669, OMIM 137920.

Submission:

MVZ Medizinische Genetik Mainz
Classification: Likely pathogenic for Renal cysts and diabetes syndrome. Last evaluated: 2025-11-19. Review status: criteria provided, single submitter. Criteria: UK Practice Guidelines For Variant Classification V4 01 2020. Collection method: clinical testing. Allele origin: germline. Inheritance: Autosomal dominant inheritance. Affected: yes. Observed: 1 variant allele.
Comment: ACMG Criteria: PVS1,PM2_SUP